The following is an entry in ClinVar:

ClinVar aggregate classification (germline): Likely pathogenic. Review status: criteria provided, single submitter (1 of 4 stars). 2 submissions from 2 submitters: Likely pathogenic (1). 1 of the submissions does not count toward it. Last evaluated 2023-09-17.

Conditions:
Ehlers-Danlos syndrome, type 4 (EDSVASC). Also called: Ehlers-Danlos syndrome vascular type; Ehlers Danlos syndrome, ecchymotic type; Ehlers Danlos syndrome, arterial type; Ehlers Danlos syndrome, Sack-Barabas type; Ehlers-Danlos Syndrome Type IV. Identifiers: Orphanet 286, MedGen C0268338, MONDO:0017314, OMIM 130050.

Submissions (2):

Labcorp Genetics (formerly Invitae), Labcorp
Classification: Likely pathogenic for Ehlers-Danlos syndrome, type 4. Last evaluated: 2023-09-17. Review status: criteria provided, single submitter. Criteria: Invitae Variant Classification Sherloc (09022015). Collection method: clinical testing. Allele origin: germline.
Comment: In summary, the currently available evidence indicates that the variant is pathogenic, but additional data are needed to prove that conclusively. Therefore, this variant has been classified as Likely Pathogenic. This variant disrupts the triple helix domain of COL3A1. Glycine residues within the Gly-Xaa-Yaa repeats of the triple helix domain are required for the structure and stability of fibrillar collagens (PMID: 7695699, 8218237, 19344236). In COL3A1, variants that affect these glycine residues are significantly enriched in individuals with disease (PMID: 24922459, 25758994) compared to the general population (ExAC). Advanced modeling of protein sequence and biophysical properties (such as structural, functional, and spatial information, amino acid conservation, physicochemical variation, residue mobility, and thermodynamic stability) performed at Invitae indicates that this missense variant is expected to disrupt COL3A1 protein function. ClinVar contains an entry for this variant (Variation ID: 101437). This missense change has been observed in individual(s) with clinical features of Ehlers-Danlos syndrome (PMID: 10706896; Invitae). This variant is not present in population databases (gnomAD no frequency). This sequence change replaces glycine, which is neutral and non-polar, with glutamic acid, which is acidic and polar, at codon 549 of the COL3A1 protein (p.Gly549Glu).

Collagen Diagnostic Laboratory, University of Washington
Classification: Pathogenic for Ehlers-Danlos syndrome, type 4. Review status: no assertion criteria provided. Collection method: clinical testing. Allele origin: germline. Affected: yes. Not counted in ClinVar's aggregate classification.

Literature cited by the submitters: PubMed 7695699 (cited by Labcorp Genetics (formerly Invitae), Labcorp); PubMed 8218237 (cited by Labcorp Genetics (formerly Invitae), Labcorp); PubMed 19344236 (cited by Labcorp Genetics (formerly Invitae), Labcorp); PubMed 24922459 (cited by Labcorp Genetics (formerly Invitae), Labcorp); PubMed 25758994 (cited by Labcorp Genetics (formerly Invitae), Labcorp); PubMed 10706896 (cited by Labcorp Genetics (formerly Invitae), Labcorp and Collagen Diagnostic Laboratory, University of Washington).

NM_000090.4(COL3A1):c.1646G>A (p.Gly549Glu)

Gene: COL3A1 (collagen type III alpha 1 chain; plus strand). Cytogenetic location: 2q32.2.
Variant type: single nucleotide variant.
Coding change: c.1646G>A on transcript NM_000090.4 (MANE Select); coding-DNA position 1646, G replaced by A.
Protein change: p.Gly549Glu; replaces glycine 549 with glutamic acid.
Molecular consequence: missense variant.
Genome position (GRCh38, 1-based): chr2:188,996,162, G>A. VCF-style: chr2-188996162-G-A. GRCh37 (hg19) VCF-style: chr2-189860888-G-A.
Identifiers: ClinVar variation 101437 (VCV000101437.5), dbSNP rs587779679, ClinGen allele CA004384.
Genomic context (GRCh38, chr2:188,996,162, plus strand): 5'-AACAACTGACTTCTTTACTTCAGGGCATGCCCGGAAGTCCAGGAGGACCAGGAAGTGATG[G>A]GAAACCAGGGCCTCCCGTATGTACATTTTTAAAATCTCATTTTAAAAGGCCAGTTAAAAT-3'
Protein context (NP_000081.2, residues 539-559): PGSPGGPGSD[Gly549Glu]KPGPPGSQGE